The following is an entry in ClinVar:

NM_004944.4(DNASE1L3):c.142G>A (p.Val48Ile)

Gene: DNASE1L3 (deoxyribonuclease 1L3; minus strand). Cytogenetic location: 3p14.3.
Variant type: single nucleotide variant.
Coding change: c.142G>A on transcript NM_004944.4 (MANE Select); coding-DNA position 142, G replaced by A.
Protein change: p.Val48Ile; replaces valine 48 with isoleucine.
Molecular consequence: missense variant.
Genome position (GRCh38, 1-based): chr3:58,208,306, C>T on the plus strand (G>A on the coding strand, the complement: DNASE1L3 is on the minus strand). VCF-style: chr3-58208306-C-T. GRCh37 (hg19) VCF-style: chr3-58194033-C-T.
Other names: c.142G>A, p.Val48Ile (NM_001256560.2); c.142G>A (NM_004944.2); short protein forms V48I.
Identifiers: ClinVar variation 1398823 (VCV001398823.9), dbSNP rs1366701559, ClinGen allele CA353341089.

ClinVar aggregate classification (germline): Conflicting classifications of pathogenicity. Review status: criteria provided, conflicting classifications (1 of 4 stars). 2 submissions from 2 submitters: Uncertain significance (1); Likely benign (1). Last evaluated 2024-11-18.

Conditions:
Inborn genetic diseases. Identifiers: MedGen C0950123, MeSH D030342.

Allele frequency attached by ClinVar (database versions not stated): gnomAD exomes below 0.00001.

Submissions (2):

Labcorp Genetics (formerly Invitae), Labcorp
Classification: Uncertain significance. Last evaluated: 2024-11-18. Review status: criteria provided, single submitter. Criteria: Invitae Variant Classification Sherloc (09022015). Collection method: clinical testing. Allele origin: germline.
Comment: This sequence change replaces valine, which is neutral and non-polar, with isoleucine, which is neutral and non-polar, at codon 48 of the DNASE1L3 protein (p.Val48Ile). This variant is present in population databases (no rsID available, gnomAD 0.003%). This variant has not been reported in the literature in individuals affected with DNASE1L3-related conditions. ClinVar contains an entry for this variant (Variation ID: 1398823). An algorithm developed to predict the effect of missense changes on protein structure and function outputs the following: PolyPhen-2: "Benign". The isoleucine amino acid residue is found in multiple mammalian species, which suggests that this missense change does not adversely affect protein function. In summary, the available evidence is currently insufficient to determine the role of this variant in disease. Therefore, it has been classified as a Variant of Uncertain Significance.

Ambry Genetics
Classification: Likely benign for Inborn genetic diseases. Last evaluated: 2022-10-26. Review status: criteria provided, single submitter. Criteria: Ambry Variant Classification Scheme 2023. Collection method: clinical testing. Allele origin: germline.